The following is an entry in ClinVar:

NM_000156.6(GAMT):c.166G>A (p.Ala56Thr)

Genes: GAMT (guanidinoacetate N-methyltransferase; minus strand), LOC130062945 (ATAC-STARR-seq lymphoblastoid silent region 9707; plus strand). Cytogenetic location: 19p13.3.
Variant type: single nucleotide variant.
Coding change: c.166G>A on transcript NM_000156.6 (MANE Select); coding-DNA position 166, G replaced by A.
Protein change: p.Ala56Thr; replaces alanine 56 with threonine.
Molecular consequence: missense variant.
Genome position (GRCh38, 1-based): chr19:1,401,311, C>T on the plus strand (G>A on the coding strand, the complement: GAMT is on the minus strand). VCF-style: chr19-1401311-C-T. GRCh37 (hg19) VCF-style: chr19-1401310-C-T.
Other names: c.166G>A, p.Ala56Thr (NM_138924.3); short protein forms A56T.
Identifiers: ClinVar variation 1989243 (VCV001989243.1), dbSNP rs2512228710, ClinGen allele CA402998018.

ClinVar aggregate classification (germline): Uncertain significance (1 of 4 stars; one submission).

Conditions:
Cerebral creatine deficiency syndrome. Also called: Creatine deficiency syndromes. Identifiers: Orphanet 79172, MedGen C5244016, MONDO:0000456.

Allele frequency attached by ClinVar (database versions not stated): gnomAD exomes 0.00001.
gnomAD v4.1: 8 of 1,511,468 alleles (0.00053%); highest among the groups gnomAD compares: African/African-American, 0.0014%; no homozygotes.

Submission:

Labcorp Genetics (formerly Invitae), Labcorp
Classification: Uncertain significance for Cerebral creatine deficiency syndrome. Last evaluated: 2021-08-24. Review status: criteria provided, single submitter. Criteria: Invitae Variant Classification Sherloc (09022015). Collection method: clinical testing. Allele origin: germline.
Comment: This sequence change replaces alanine with threonine at codon 56 of the GAMT protein (p.Ala56Thr). The alanine residue is moderately conserved and there is a small physicochemical difference between alanine and threonine. This variant is not present in population databases (ExAC no frequency). This variant has not been reported in the literature in individuals affected with GAMT-related conditions. Algorithms developed to predict the effect of missense changes on protein structure and function output the following: SIFT: "Tolerated"; PolyPhen-2: "Benign"; Align-GVGD: "Class C0". The threonine amino acid residue is found in multiple mammalian species, which suggests that this missense change does not adversely affect protein function. In summary, the available evidence is currently insufficient to determine the role of this variant in disease. Therefore, it has been classified as a Variant of Uncertain Significance.